The following is an entry in ClinVar:

ClinVar aggregate classification (germline): Pathogenic (1 of 4 stars; one submission).

Conditions:
Androgen resistance syndrome (AIS). Also called: ANDROGEN RECEPTOR DEFICIENCY; Androgen insensitivity syndrome; Androgen insensitivity, complete; Androgen insensitivity; DIHYDROTESTOSTERONE RECEPTOR DEFICIENCY; TESTICULAR FEMINIZATION SYNDROME. Identifiers: Orphanet 754, Orphanet 99429, MedGen C0039585, MONDO:0019154, OMIM 300068. Disease mechanism: loss of function.
Kennedy disease (SMAX1). Also called: SPINAL AND BULBAR MUSCULAR ATROPHY, X-LINKED 1; KENNEDY SPINAL AND BULBAR MUSCULAR ATROPHY; Spinal and Bulbar Muscular Atrophy. Identifiers: Orphanet 481, MedGen C1839259, MONDO:0010735, OMIM 313200.

Submission:

Labcorp Genetics (formerly Invitae), Labcorp
Classification: Pathogenic for Kennedy disease; Androgen resistance syndrome. Last evaluated: 2019-08-01. Review status: criteria provided, single submitter. Criteria: Invitae Variant Classification Sherloc (09022015). Collection method: clinical testing. Allele origin: germline.
Comment: This variant has not been reported in the literature in individuals with AR-related conditions. The frequency data for this variant in the population databases is considered unreliable, as metrics indicate insufficient coverage at this position in the ExAC database. For these reasons, this variant has been classified as Pathogenic. Loss-of-function variants in AR are known to be pathogenic (PMID: 19463997). This sequence change creates a premature translational stop signal (p.Gln445Hisfs*34) in the AR gene. It is expected to result in an absent or disrupted protein product.

Literature cited by the submitters: PubMed 19463997.

NM_000044.6(AR):c.1335del (p.Gln445fs)

Gene: AR (androgen receptor; plus strand). Cytogenetic location: Xq12.
Variant type: Deletion.
Coding change: c.1335del on transcript NM_000044.6 (MANE Select); coding-DNA position 1335, one base deleted (G; older notation c.1335delG).
Protein change: p.Gln445fs; shifts the reading frame from glutamine 445.
Molecular consequence: frameshift variant. On other transcripts: 5 prime UTR variant (1).
Genome position (GRCh38, 1-based): chrX:67,546,481, G deleted. VCF-style (leftmost placement, unchanged base first): chrX-67546480-AG-A. GRCh37 (hg19) VCF-style: chrX-66766322-AG-A.
Other names: c.-449del (NM_001011645.3); c.1335del, p.Gln445fs (NM_001348061.1, NM_001348063.1, NM_001348064.1); short protein forms Q445fs.
Identifiers: ClinVar variation 947728 (VCV000947728.7), dbSNP rs1929749440, ClinGen allele CA1139667609.